The following is an entry in ClinVar:

NM_014855.3(AP5Z1):c.*150G>A

Gene: AP5Z1 (adaptor related protein complex 5 subunit zeta 1; plus strand). Cytogenetic location: 7p22.1.
Variant type: single nucleotide variant.
Coding change: c.*150G>A on transcript NM_014855.3 (MANE Select); 150 bases downstream of the stop codon, G replaced by A.
Molecular consequence: 3 prime UTR variant. On other transcripts: non-coding transcript variant (1).
Genome position (GRCh38, 1-based): chr7:4,791,535, G>A. VCF-style: chr7-4791535-G-A. GRCh37 (hg19) VCF-style: chr7-4831166-G-A.
Other names: c.*150G>A (NM_001364858.1).
Identifiers: ClinVar variation 912078 (VCV000912078.5), dbSNP rs186823399, ClinGen allele CA153037336.
Genomic context (GRCh38, chr7:4,791,535, plus strand): 5'-GCGGGAGTCCTGGGAGAGGAGGCAAGGCCCACGGTGGGCTTGGCACCCTCACAGACACGC[G>A]GGGCTGGCCCCCCTGCTCACCCTCTGGGCTTTGTCTCCGAGCCTTTTGCTCCCAGGCAAC-3'

ClinVar aggregate classification (germline): Conflicting classifications of pathogenicity. Review status: criteria provided, conflicting classifications (1 of 4 stars). 2 submissions from 2 submitters: Uncertain significance (1); Likely benign (1). Last evaluated 2019-08-11.

Conditions:
Hereditary spastic paraplegia 48. Also called: Spastic paraplegia 48; SPASTIC PARAPLEGIA 48, AUTOSOMAL RECESSIVE. Identifiers: Orphanet 306511, MedGen C3150901, MONDO:0013342, OMIM 613647.

Allele frequency attached by ClinVar (database versions not stated): gnomAD exomes 0.00061; 1000 Genomes Project 30x 0.00312; 1000 Genomes Project 0.00359; gnomAD 0.00439 and 0.00478; TOPMed 0.00486.
gnomAD v4.1: 1,301 of 1,185,138 alleles (0.11%); highest among the groups gnomAD compares: African/African-American, 1.4%; 3 homozygotes.

Submissions (2):

GeneDx
Classification: Likely benign. Last evaluated: 2019-08-11. Review status: criteria provided, single submitter. Criteria: GeneDx Variant Classification Process June 2021. Collection method: clinical testing. Allele origin: germline. Affected: yes.
Comment: See Variant Classification Assertion Criteria.

Illumina Laboratory Services, Illumina
Classification: Uncertain significance for Hereditary spastic paraplegia 48. Last evaluated: 2018-01-12. Review status: criteria provided, single submitter. Criteria: ICSL Variant Classification Criteria 13 December 2019. Collection method: clinical testing. Allele origin: germline.